The following is an entry in ClinVar:

NM_000093.5(COL5A1):c.2331+191G>C

Gene: COL5A1 (collagen type V alpha 1 chain; plus strand). Cytogenetic location: 9q34.3.
Variant type: single nucleotide variant.
Coding change: c.2331+191G>C on transcript NM_000093.5 (MANE Select); 191 bases into the intron after coding-DNA position 2331, G replaced by C.
Molecular consequence: intron variant.
Genome position (GRCh38, 1-based): chr9:134,773,025, G>C. VCF-style: chr9-134773025-G-C. GRCh37 (hg19) VCF-style: chr9-137664871-G-C.
Other names: c.2331+191G>C (NM_001278074.1).
Identifiers: ClinVar variation 673132 (VCV000673132.1), dbSNP rs7470855, ClinGen allele CA13060278.

ClinVar aggregate classification (germline): Benign (1 of 4 stars; one submission).

Allele frequency attached by ClinVar (database versions not stated): gnomAD 0.28320 and 0.29061; TOPMed 0.29839; 1000 Genomes Project 30x 0.34931; 1000 Genomes Project 0.35643.
gnomAD v4.1: 44,073 of 152,012 alleles (29%); highest among the groups gnomAD compares: East Asian, 62%; 6,748 homozygotes.

Submission:

GeneDx
Classification: Benign. Last evaluated: 2018-06-14. Review status: criteria provided, single submitter. Criteria: GeneDx Variant Classification (06012015). Collection method: clinical testing. Allele origin: germline. Affected: yes.
Comment: This variant is considered likely benign or benign based on one or more of the following criteria: it is a conservative change, it occurs at a poorly conserved position in the protein, it is predicted to be benign by multiple in silico algorithms, and/or has population frequency not consistent with disease.